The following is an entry in ClinVar:

ClinVar aggregate classification (germline): Pathogenic. Review status: criteria provided, single submitter (1 of 4 stars). 2 submissions from 2 submitters: Pathogenic (1). 1 of the submissions does not count toward it. Last evaluated 2024-12-30.

Submissions (2):

Labcorp Genetics (formerly Invitae), Labcorp
Classification: Pathogenic. Last evaluated: 2024-12-30. Review status: criteria provided, single submitter. Criteria: Invitae Variant Classification Sherloc (09022015). Collection method: clinical testing. Allele origin: germline.
Comment: This sequence change creates a premature translational stop signal (p.Arg246*) in the RELA gene. It is expected to result in an absent or disrupted protein product. Loss-of-function variants in RELA are known to be pathogenic (PMID: 28600438). This variant is not present in population databases (gnomAD no frequency). This premature translational stop signal has been observed in individual(s) with RELA-related condition(s) (PMID: 29305315). ClinVar contains an entry for this variant (Variation ID: 617486). Algorithms developed to predict the effect of sequence changes on RNA splicing suggest that this variant may disrupt the consensus splice site. For these reasons, this variant has been classified as Pathogenic.

OMIM
Classification: Uncertain significance for VARIANT OF UNKNOWN SIGNIFICANCE. Last evaluated: 2019-01-28. Review status: no assertion criteria provided. Collection method: literature only. Allele origin: germline. Not counted in ClinVar's aggregate classification.

Literature cited by the submitters: PubMed 28600438 (cited by Labcorp Genetics (formerly Invitae), Labcorp); PubMed 29305315 (cited by Labcorp Genetics (formerly Invitae), Labcorp and OMIM).

NM_021975.4(RELA):c.736C>T (p.Arg246Ter)

Gene: RELA (RELA proto-oncogene, NF-kB subunit; minus strand). Cytogenetic location: 11q13.1.
Variant type: single nucleotide variant.
Coding change: c.736C>T on transcript NM_021975.4 (MANE Select); coding-DNA position 736, C replaced by T.
Protein change: p.Arg246Ter; replaces arginine 246 with a stop codon.
Molecular consequence: nonsense.
Genome position (GRCh38, 1-based): chr11:65,658,428, G>A on the plus strand (C>T on the coding strand, the complement: RELA is on the minus strand). VCF-style: chr11-65658428-G-A. GRCh37 (hg19) VCF-style: chr11-65425899-G-A.
Other names: c.727C>T, p.Arg243Ter (NM_001145138.2); c.736C>T, p.Arg246Ter (NM_001243984.2, NM_001243985.2); short protein forms R246*, R243*.
Identifiers: ClinVar variation 617486 (VCV000617486.8), dbSNP rs1565190345, ClinGen allele CA381391120.